The following is an entry in ClinVar:

NM_001348768.2(HECW2):c.1098G>A (p.Val366=)

Gene: HECW2 (HECT, C2 and WW domain containing E3 ubiquitin protein ligase 2; minus strand). Cytogenetic location: 2q32.3.
Variant type: single nucleotide variant.
Coding change: c.1098G>A on transcript NM_001348768.2 (MANE Select); coding-DNA position 1098, G replaced by A.
Protein change: p.Val366=; no amino-acid change (valine 366 retained).
Molecular consequence: synonymous variant.
Genome position (GRCh38, 1-based): chr2:196,319,792, C>T on the plus strand (G>A on the coding strand, the complement: HECW2 is on the minus strand). VCF-style: chr2-196319792-C-T. GRCh37 (hg19) VCF-style: chr2-197184516-C-T.
Other names: c.30G>A, p.Val10= (NM_001304840.3); c.1098G>A, p.Val366= (NM_020760.4).
Identifiers: ClinVar variation 3252136 (VCV003252136.1), dbSNP rs1295705212.
Genomic context (GRCh38, chr2:196,319,792, plus strand): 5'-GAATGAATGCTTGGGGGTTCCATCGGCAGCACTGTCCTCAGAAACTGGCCCATTAGAGCA[C>T]ACCTGGCTGTCGTGATGGCTCCCTGGCATGTCCTCGTCATCGGAAGGGCTACCTAAGTCT-3'
Protein context (NP_001335697.1, residues 356-376): DMPGSHHDSQ[Val366=]CSNGPVSEDS

ClinVar aggregate classification (germline): Uncertain significance (1 of 4 stars; one submission).

Allele frequency attached by ClinVar (database versions not stated): gnomAD exomes below 0.00001; TOPMed below 0.00001.
gnomAD v4.1: 2 of 1,614,226 alleles (0.00012%); highest among the groups gnomAD compares: Admixed American, 0.0033%; no homozygotes.

Submission:

GeneDx
Classification: Uncertain significance. Last evaluated: 2023-06-04. Review status: criteria provided, single submitter. Criteria: GeneDx Variant Classification Process June 2021. Collection method: clinical testing. Allele origin: germline. Affected: yes.
Comment: Has not been previously published as pathogenic or benign to our knowledge; In silico analysis suggests this variant may impact gene splicing. In the absence of RNA/functional studies, the actual effect of this sequence change is unknown.